The following is an entry in ClinVar:

ClinVar aggregate classification (germline): Uncertain significance (1 of 4 stars; one submission).

Conditions:
Epidermolysis bullosa simplex 3, localized or generalized intermediate, with BP230 deficiency (EBS3). Also called: Epidermolysis bullosa simplex, autosomal recessive 2; Epidermolysis bullosa simplex due to BP230 deficiency. Identifiers: Orphanet 412181, MedGen C3809470, MONDO:0014180, OMIM 615425.
Hereditary sensory and autonomic neuropathy type 6. Also called: Neuropathy, hereditary sensory and autonomic, type VI; HSAN VI. Identifiers: Orphanet 314381, MedGen C3539003, MONDO:0013839, OMIM 614653.

Allele frequency attached by ClinVar (database versions not stated): gnomAD exomes below 0.00001 and 0.00001; ExAC 0.00002.
gnomAD v4.1: 2 of 1,614,190 alleles (0.00012%); highest among the groups gnomAD compares: East Asian, 0.0045%; no homozygotes.

Submission:

Labcorp Genetics (formerly Invitae), Labcorp
Classification: Uncertain significance for Epidermolysis bullosa simplex 3, localized or generalized intermediate, with BP230 deficiency; Hereditary sensory and autonomic neuropathy type 6. Last evaluated: 2020-09-02. Review status: criteria provided, single submitter. Criteria: Invitae Variant Classification Sherloc (09022015). Collection method: clinical testing. Allele origin: germline.
Comment: This sequence change replaces arginine with glycine at codon 1805 of the DST protein (p.Arg1805Gly). The arginine residue is weakly conserved and there is a moderate physicochemical difference between arginine and glycine. This variant is present in population databases (rs780418881, ExAC 0.02%). This variant has not been reported in the literature in individuals with DST-related conditions. Algorithms developed to predict the effect of missense changes on protein structure and function (SIFT, PolyPhen-2, Align-GVGD) all suggest that this variant is likely to be tolerated, but these predictions have not been confirmed by published functional studies and their clinical significance is uncertain. In summary, the available evidence is currently insufficient to determine the role of this variant in disease. Therefore, it has been classified as a Variant of Uncertain Significance.

NM_001723.7(DST):c.5413A>G (p.Arg1805Gly)

Gene: DST (dystonin; minus strand). Cytogenetic location: 6p12.1.
Variant type: single nucleotide variant.
Coding change: c.5413A>G on transcript NM_001723.7 (MANE Plus Clinical); coding-DNA position 5413, A replaced by G.
Protein change: p.Arg1805Gly; replaces arginine 1805 with glycine.
Molecular consequence: missense variant. On other transcripts: intron variant (10).
Genome position (GRCh38, 1-based): chr6:56,618,621, T>C on the plus strand (A>G on the coding strand, the complement: DST is on the minus strand). VCF-style: chr6-56618621-T-C. GRCh37 (hg19) VCF-style: chr6-56483419-T-C.
Other names: c.4831-4137A>G (NM_001144769.5); c.4930-4137A>G (NM_001374722.1, NM_001374736.1); c.4957-4137A>G (NM_001374734.1); c.4417-4137A>G (NM_001144770.2); c.4297-4137A>G (NM_001374730.1, NM_001386100.1, NM_183380.4 and 1 more transcripts); c.3319-4137A>G (NM_015548.5); short protein forms R1805G.
Identifiers: ClinVar variation 1040804 (VCV001040804.9), dbSNP rs780418881, ClinGen allele CA3870367.
Genomic context (GRCh38, chr6:56,618,621, plus strand): 5'-AATGATTTGCTTCCATGTGCTGCCCTTGCTGCATTTGTTCACGATACTGTTGAAGCTGTC[T>C]TTCAAGTTCTTTAATGTTTGTTTCACAAAGCTTAGCATTTTCTTGGGCTCTAGAGTTTTC-3'
Protein context (NP_001714.1, residues 1795-1815): LCETNIKELE[Arg1805Gly]QLQQYREQMQ